The following is an entry in ClinVar:

ClinVar aggregate classification (germline): Conflicting classifications of pathogenicity. Review status: criteria provided, conflicting classifications (1 of 4 stars). 7 submissions from 7 submitters: Uncertain significance (1); Benign (1); Likely benign (5). Last evaluated 2026-01-27.

Conditions:
TTN-related disorder. Also called: TTN-related condition; TTN-related disease; TTN-related disorders.
Autosomal recessive limb-girdle muscular dystrophy type 2J (LGMDR10). Also called: Limb-girdle muscular dystrophy, type 2J; MUSCULAR DYSTROPHY, LIMB-GIRDLE, AUTOSOMAL RECESSIVE 10. Identifiers: Orphanet 140922, MedGen C1837342, MONDO:0012127, OMIM 608807.
Dilated cardiomyopathy 1G (CMD1G). Identifiers: Orphanet 154, MedGen C1858763, MONDO:0011400, OMIM 604145.

Allele frequency attached by ClinVar (database versions not stated): gnomAD exomes 0.00002 and 0.00005; ExAC 0.00008; 1000 Genomes Project 0.00020; TOPMed 0.00025; gnomAD 0.00027 and 0.00029; 1000 Genomes Project 30x 0.00031; ESP Exome Variant Server 0.00033.
gnomAD v4.1: 76 of 1,612,920 alleles (0.0047%); highest among the groups gnomAD compares: African/African-American, 0.096%; no homozygotes.

Submissions (7):

Labcorp Genetics (formerly Invitae), Labcorp
Classification: Likely benign for Dilated cardiomyopathy 1G; Autosomal recessive limb-girdle muscular dystrophy type 2J. Last evaluated: 2026-01-27. Review status: criteria provided, single submitter. Criteria: Invitae Variant Classification Sherloc (09022015). Collection method: clinical testing. Allele origin: germline.

PreventionGenetics, part of Exact Sciences
Classification: Likely benign for TTN-related condition. Last evaluated: 2025-05-29. Review status: criteria provided, single submitter. Criteria: ACMG Guidelines, 2015. Collection method: clinical testing. Allele origin: germline.
Comment: This variant is classified as likely benign based on ACMG/AMP sequence variant interpretation guidelines (Richards et al. 2015 PMID: 25741868, with internal and published modifications).

ARUP Laboratories, Molecular Genetics and Genomics, ARUP Laboratories
Classification: Likely benign. Last evaluated: 2024-09-16. Review status: criteria provided, single submitter. Criteria: ARUP Molecular Germline Variant Investigation Process 2024. Collection method: clinical testing. Allele origin: germline.

Blueprint Genetics
Classification: Likely benign. Last evaluated: 2024-03-14. Review status: criteria provided, single submitter. Criteria: ACMG Guidelines, 2015. Collection method: clinical testing. Allele origin: germline.

Women's Health and Genetics/Laboratory Corporation of America, LabCorp
Classification: Benign. Last evaluated: 2020-10-01. Review status: criteria provided, single submitter. Criteria: LabCorp Variant Classification Summary - May 2015. Collection method: clinical testing. Allele origin: germline.
Comment: Variant summary: TTN c.80602+8T>C alters a non-conserved nucleotide located close to a canonical splice site and therefore could affect mRNA splicing, leading to a significantly altered protein sequence. 4/4 computational tools predict no significant impact on normal splicing. However, these predictions have yet to be confirmed by functional studies. The variant allele was found at a frequency of 0.0001 in 279116 control chromosomes, predominantly at a frequency of 0.001 within the African or African-American subpopulation in the gnomAD database. The observed variant frequency within African or African-American control individuals in the gnomAD database is approximately 3 fold of the estimated maximal expected allele frequency for a pathogenic variant in TTN causing Dilated Cardiomyopathy phenotype (0.00039), strongly suggesting that the variant is a benign polymorphism found primarily in populations of African or African-American origin. To our knowledge, no occurrence of c.80602+8T>C in individuals affected with Dilated Cardiomyopathy and no experimental evidence demonstrating its impact on protein function have been reported. Four ClinVar submitters (evaluation after 2014) cite the variant as uncertain significance (2x) and likely benign (2x). Based on the evidence outlined above, the variant was classified as benign.

Eurofins Ntd Llc (ga)
Classification: Uncertain significance. Last evaluated: 2017-12-14. Review status: criteria provided, single submitter. Criteria: EGL Classification Definitions 2015. Collection method: clinical testing. Allele origin: germline. Observed: 2 variant alleles, 2 heterozygotes.

GeneDx
Classification: Likely benign. Last evaluated: 2017-12-01. Review status: criteria provided, single submitter. Criteria: GeneDx Variant Classification (06012015). Collection method: clinical testing. Allele origin: germline. Affected: yes.
Comment: This variant is considered likely benign or benign based on one or more of the following criteria: it is a conservative change, it occurs at a poorly conserved position in the protein, it is predicted to be benign by multiple in silico algorithms, and/or has population frequency not consistent with disease.

NM_001267550.2(TTN):c.88306+8T>C

Genes: TTN (titin; minus strand), TTN-AS1 (TTN antisense RNA 1; plus strand). Cytogenetic location: 2q31.2.
Variant type: single nucleotide variant.
Coding change: c.88306+8T>C on transcript NM_001267550.2 (MANE Select); 8 bases into the intron after coding-DNA position 88306, T replaced by C.
Molecular consequence: intron variant.
Genome position (GRCh38, 1-based): chr2:178,556,840, A>G on the plus strand (T>C on the coding strand, the complement: TTN is on the minus strand). VCF-style: chr2-178556840-A-G. GRCh37 (hg19) VCF-style: chr2-179421567-A-G.
Other names: c.61111+8T>C (NM_003319.4); c.61687+8T>C (NM_133437.4); c.61486+8T>C (NM_133432.3); c.80602+8T>C (NM_133378.4); c.83383+8T>C (NM_001256850.1).
Identifiers: ClinVar variation 467601 (VCV000467601.30), dbSNP rs369690199, ClinGen allele CA1988172.